The following is an entry in ClinVar:

NM_001394062.1(MACF1):c.21443T>C (p.Met7148Thr)

Gene: MACF1 (microtubule actin crosslinking factor 1; plus strand). Cytogenetic location: 1p34.3.
Variant type: single nucleotide variant.
Coding change: c.21443T>C on transcript NM_001394062.1 (MANE Select); coding-DNA position 21443, T replaced by C.
Protein change: p.Met7148Thr; replaces methionine 7148 with threonine.
Molecular consequence: missense variant.
Genome position (GRCh38, 1-based): chr1:39,460,714, T>C. VCF-style: chr1-39460714-T-C. GRCh37 (hg19) VCF-style: chr1-39926386-T-C.
Other names: c.9521T>C, p.Met3174Thr (NM_001397473.1); c.15266T>C, p.Met5089Thr (NM_012090.5); short protein forms M3174T, M5089T, M7148T.
Identifiers: ClinVar variation 3898866 (VCV003898866.2).

ClinVar aggregate classification (germline): Pathogenic (1 of 4 stars; one submission).

Submission:

GeneDx
Classification: Pathogenic. Last evaluated: 2026-08-20. Review status: criteria provided, single submitter. Criteria: GeneDx Variant Classification Process June 2021. Collection method: clinical testing. Allele origin: germline.
Comment: Not observed at significant frequency in large population cohorts (gnomAD); In silico analysis supports that this missense variant has a deleterious effect on protein structure/function; This variant is associated with the following publications: (PMID: 40925378, 39152427)